The following is an entry in ClinVar:

ClinVar aggregate classification (germline): Benign. Review status: criteria provided, single submitter (1 of 4 stars). 2 submissions from 1 submitter: Benign (2). Last evaluated 2018-01-13.

Conditions:
Dystonia 9 (DYT9). Also called: CHOREOATHETOSIS, KINESIGENIC, WITH EPISODIC ATAXIA AND SPASTICITY. Identifiers: Orphanet 53583, MedGen C1832855, MONDO:0010983, OMIM 601042.
Encephalopathy due to GLUT1 deficiency. Also called: Classic Glucose Transporter Type 1 Deficiency Syndrome; GLUCOSE TRANSPORT DEFECT, BLOOD-BRAIN BARRIER; De Vivo disease; Glucose transporter protein syndrome; GLUT1 deficiency syndrome 1, infantile onset, severe; GLUT1 deficiency syndrome 1. Identifiers: Orphanet 71277, MedGen C4551966, MONDO:0011724, OMIM 606777.

Allele frequency attached by ClinVar (database versions not stated): gnomAD 0.00015 and 0.00021; TOPMed 0.00017; 1000 Genomes Project 30x 0.00172; 1000 Genomes Project 0.00220.

Submissions (2):

Illumina Laboratory Services, Illumina
Classification: Benign for Dystonia 9. Last evaluated: 2018-01-13. Review status: criteria provided, single submitter. Criteria: ICSL Variant Classification Criteria 13 December 2019. Collection method: clinical testing. Allele origin: germline.
Comment: This variant was observed in the ICSL laboratory as part of a predisposition screen in an ostensibly healthy population. It had not been previously curated by ICSL or reported in the Human Gene Mutation Database (HGMD: prior to June 1st, 2018), and was therefore a candidate for classification through an automated scoring system. Utilizing variant allele frequency, disease prevalence and penetrance estimates, and inheritance mode, an automated score was calculated to assess if this variant is too frequent to cause the disease. Based on the score and internal cut-off values, a variant classified as benign is not then subjected to further curation. The score for this variant resulted in a classification of benign for this disease.

Illumina Laboratory Services, Illumina
Classification: Benign for Encephalopathy due to GLUT1 deficiency. Last evaluated: 2018-01-13. Review status: criteria provided, single submitter. Criteria: ICSL Variant Classification Criteria 13 December 2019. Collection method: clinical testing. Allele origin: germline.
Comment: the same text as in the submission from Illumina Laboratory Services, Illumina above.

NM_006516.4(SLC2A1):c.*971G>A

Gene: SLC2A1 (solute carrier family 2 member 1; minus strand). Cytogenetic location: 1p34.2.
Variant type: single nucleotide variant.
Coding change: c.*971G>A on transcript NM_006516.4 (MANE Select); 971 bases downstream of the stop codon, G replaced by A.
Molecular consequence: 3 prime UTR variant.
Genome position (GRCh38, 1-based): chr1:42,926,070, C>T on the plus strand (G>A on the coding strand, the complement: SLC2A1 is on the minus strand). VCF-style: chr1-42926070-C-T. GRCh37 (hg19) VCF-style: chr1-43391741-C-T.
Identifiers: ClinVar variation 297364 (VCV000297364.5), dbSNP rs185891628, ClinGen allele CA10610254.